The following is an entry in ClinVar:

NM_001039348.3(EFEMP1):c.*649C>T

Gene: EFEMP1 (EGF-like fibulin extracellular matrix protein 1; minus strand). Cytogenetic location: 2p16.1.
Variant type: single nucleotide variant.
Coding change: c.*649C>T on transcript NM_001039348.3 (MANE Select); 649 bases downstream of the stop codon, C replaced by T.
Molecular consequence: 3 prime UTR variant.
Genome position (GRCh38, 1-based): chr2:55,866,424, G>A on the plus strand (C>T on the coding strand, the complement: EFEMP1 is on the minus strand). VCF-style: chr2-55866424-G-A. GRCh37 (hg19) VCF-style: chr2-56093559-G-A.
Other names: c.*649C>T (NM_001039349.3).
Identifiers: ClinVar variation 336615 (VCV000336615.5), dbSNP rs186888998, ClinGen allele CA10614174.

ClinVar aggregate classification (germline): Benign (1 of 4 stars; one submission).

Conditions:
Doyne honeycomb retinal dystrophy (DHRD). Also called: DOYNE HONEYCOMB DEGENERATION OF RETINA; MALATTIA LEVENTINESE; DRUSEN, RADIAL, AUTOSOMAL DOMINANT. Identifiers: Orphanet 75376, MedGen C1832174, MONDO:0007471, OMIM 126600.

Allele frequency attached by ClinVar (database versions not stated): 1000 Genomes Project 0.00180; 1000 Genomes Project 30x 0.00203; gnomAD 0.00480 and 0.00533; TOPMed 0.00496.

Submission:

Illumina Laboratory Services, Illumina
Classification: Benign for Doyne honeycomb retinal dystrophy. Last evaluated: 2018-01-13. Review status: criteria provided, single submitter. Criteria: ICSL Variant Classification Criteria 13 December 2019. Collection method: clinical testing. Allele origin: germline.
Comment: This variant was observed in the ICSL laboratory as part of a predisposition screen in an ostensibly healthy population. It had not been previously curated by ICSL or reported in the Human Gene Mutation Database (HGMD: prior to June 1st, 2018), and was therefore a candidate for classification through an automated scoring system. Utilizing variant allele frequency, disease prevalence and penetrance estimates, and inheritance mode, an automated score was calculated to assess if this variant is too frequent to cause the disease. Based on the score and internal cut-off values, a variant classified as benign is not then subjected to further curation. The score for this variant resulted in a classification of benign for this disease.